The following is an entry in ClinVar:

NM_000350.3(ABCA4):c.2980_2987del (p.Ile994fs)

Gene: ABCA4 (ATP binding cassette subfamily A member 4; minus strand). Cytogenetic location: 1p22.1.
Variant type: Deletion.
Coding change: c.2980_2987del on transcript NM_000350.3 (MANE Select); coding-DNA positions 2980 to 2987, 8 bases deleted (ATTGAAAC; older notation c.2980_2987delATTGAAAC).
Protein change: p.Ile994fs; shifts the reading frame from isoleucine 994.
Molecular consequence: frameshift variant.
Genome position (GRCh38, 1-based): chr1:94,044,676-94,044,683, GTTTCAAT deleted on the plus strand (ATTGAAAC on the coding strand, the reverse complement: ABCA4 is on the minus strand); deleting any 8 consecutive bases within chr1:94,044,676-94,044,685 gives the same sequence; the c. name uses the placement nearest the transcript's 3' end. VCF-style (leftmost placement, unchanged base first): chr1-94044675-GGTTTCAAT-G. GRCh37 (hg19) VCF-style: chr1-94510231-GGTTTCAAT-G.
Other names: c.2756_2763delACATTGAA, p.Ile920Glnfs (NM_001425324.1); short protein forms I994fs.
Identifiers: ClinVar variation 857636 (VCV000857636.10), dbSNP rs1306732480, ClinGen allele CA524384433.

ClinVar aggregate classification (germline): Pathogenic. Review status: criteria provided, multiple submitters, no conflicts (2 of 4 stars). 2 submissions from 2 submitters: Pathogenic (2). Last evaluated 2024-08-10.

Conditions:
ABCA4-related disorder. Also called: ABCA4-related condition; ABCA4-related disorders. Identifiers: MedGen CN239167.

Submissions (2):

Labcorp Genetics (formerly Invitae), Labcorp
Classification: Pathogenic. Last evaluated: 2024-08-10. Review status: criteria provided, single submitter. Criteria: Invitae Variant Classification Sherloc (09022015). Collection method: clinical testing. Allele origin: germline.
Comment: This sequence change creates a premature translational stop signal (p.Ile994Glnfs*26) in the ABCA4 gene. It is expected to result in an absent or disrupted protein product. Loss-of-function variants in ABCA4 are known to be pathogenic (PMID: 10958761, 24938718, 25312043, 26780318). The frequency data for this variant in the population databases is considered unreliable, as metrics indicate poor data quality at this position in the gnomAD database. This variant has not been reported in the literature in individuals affected with ABCA4-related conditions. ClinVar contains an entry for this variant (Variation ID: 857636). For these reasons, this variant has been classified as Pathogenic.

Blueprint Genetics
Classification: Pathogenic for ABCA4-related disorders. Last evaluated: 2022-03-25. Review status: criteria provided, single submitter. Criteria: ACMG Guidelines, 2015. Collection method: clinical testing. Allele origin: germline. Affected: yes. Observed: 5 variant alleles.

Literature cited by the submitters: PubMed 10958761 (cited by Labcorp Genetics (formerly Invitae), Labcorp); PubMed 24938718 (cited by Labcorp Genetics (formerly Invitae), Labcorp); PubMed 25312043 (cited by Labcorp Genetics (formerly Invitae), Labcorp); PubMed 26780318 (cited by Labcorp Genetics (formerly Invitae), Labcorp).